The following is an entry in ClinVar:

NM_007259.5(VPS45):c.64A>G (p.Met22Val)

Gene: VPS45 (vacuolar protein sorting 45 homolog; plus strand). Cytogenetic location: 1q21.2.
Variant type: single nucleotide variant.
Coding change: c.64A>G on transcript NM_007259.5 (MANE Select); coding-DNA position 64, A replaced by G.
Protein change: p.Met22Val; replaces methionine 22 with valine.
Molecular consequence: missense variant. On other transcripts: 5 prime UTR variant (1), non-coding transcript variant (1), intron variant (1).
Genome position (GRCh38, 1-based): chr1:150,067,921, A>G. VCF-style: chr1-150067921-A-G. GRCh37 (hg19) VCF-style: chr1-150039978-A-G.
Other names: c.-65A>G (NM_001279354.2); c.-16+315A>G (NM_001279353.2); short protein forms M22V.
Identifiers: ClinVar variation 972657 (VCV000972657.10), dbSNP rs782253570, ClinGen allele CA1073024.

ClinVar aggregate classification (germline): Uncertain significance. Review status: criteria provided, single submitter (1 of 4 stars). 2 submissions from 2 submitters: Uncertain significance (1). 1 of the submissions does not count toward it. Last evaluated 2021-09-07.

Conditions:
Congenital neutropenia-myelofibrosis-nephromegaly syndrome. Also called: Severe congenital neutropenia 5, autosomal recessive. Identifiers: Orphanet 369852, MedGen C3809031, MONDO:0014118, OMIM 615285.

Allele frequency attached by ClinVar (database versions not stated): gnomAD exomes 0.00001; ExAC 0.00002.
gnomAD v4.1: 10 of 1,614,236 alleles (0.00062%); highest among the groups gnomAD compares: Non-Finnish European, 0.00076%; no homozygotes.

Submissions (2):

Labcorp Genetics (formerly Invitae), Labcorp
Classification: Uncertain significance for Congenital neutropenia-myelofibrosis-nephromegaly syndrome. Last evaluated: 2021-09-07. Review status: criteria provided, single submitter. Criteria: Invitae Variant Classification Sherloc (09022015). Collection method: clinical testing. Allele origin: germline.
Comment: This sequence change replaces methionine with valine at codon 22 of the VPS45 protein (p.Met22Val). The methionine residue is highly conserved and there is a small physicochemical difference between methionine and valine. This variant is present in population databases (rs782253570, ExAC 0.004%). This variant has not been reported in the literature in individuals affected with VPS45-related conditions. Algorithms developed to predict the effect of missense changes on protein structure and function are either unavailable or do not agree on the potential impact of this missense change (SIFT: "Tolerated"; PolyPhen-2: "Probably Damaging"; Align-GVGD: "Class C0"). In summary, the available evidence is currently insufficient to determine the role of this variant in disease. Therefore, it has been classified as a Variant of Uncertain Significance.

Natera, Inc.
Classification: Uncertain significance for Autosomal recessive severe congenital neutropenia 5. Last evaluated: 2021-07-06. Review status: no assertion criteria provided. Collection method: clinical testing. Allele origin: germline. Not counted in ClinVar's aggregate classification.